The following is an entry in ClinVar:

ClinVar aggregate classification (germline): Pathogenic (1 of 4 stars; one submission).

Conditions:
Nemaline myopathy 2 (NEM2). Also called: Nemaline myopathy 2, autosomal recessive. Identifiers: MedGen C1850569, MONDO:0009725, OMIM 256030.

Submission:

Labcorp Genetics (formerly Invitae), Labcorp
Classification: Pathogenic for Nemaline myopathy 2. Last evaluated: 2023-03-10. Review status: criteria provided, single submitter. Criteria: Invitae Variant Classification Sherloc (09022015). Collection method: clinical testing. Allele origin: unknown.
Comment: For these reasons, this variant has been classified as Pathogenic. This variant disrupts a region of the NEB protein in which other variant(s) (p.Tyr2794Phe) have been determined to be pathogenic (PMID: 25205138; Invitae). This suggests that this is a clinically significant region of the protein, and that variants that disrupt it are likely to be disease-causing. This variant has not been reported in the literature in individuals affected with NEB-related conditions. This variant is a gross deletion of the genomic region encompassing exon(s) 57-61 of the NEB gene. This variant would be expected to be in-frame, preserving the integrity of the reading frame.

Literature cited by the submitters: PubMed 25205138.

NC_000002.11:g.(?_152496849)_(152500663_?)del

Gene: NEB (nebulin; minus strand). Cytogenetic location: 2q23.3.
Variant type: Deletion.
Identifiers: ClinVar variation 3247257 (VCV003247257.1).